The following is an entry in ClinVar:

NM_001130823.3(DNMT1):c.3988A>G (p.Ile1330Val)

Gene: DNMT1 (DNA methyltransferase 1; minus strand). Cytogenetic location: 19p13.2.
Variant type: single nucleotide variant.
Coding change: c.3988A>G on transcript NM_001130823.3 (MANE Select); coding-DNA position 3988, A replaced by G.
Protein change: p.Ile1330Val; replaces isoleucine 1330 with valine.
Molecular consequence: missense variant.
Genome position (GRCh38, 1-based): chr19:10,138,566, T>C on the plus strand (A>G on the coding strand, the complement: DNMT1 is on the minus strand). VCF-style: chr19-10138566-T-C. GRCh37 (hg19) VCF-style: chr19-10249242-T-C.
Other names: c.3940A>G, p.Ile1314Val (NM_001318730.2, NM_001379.4); c.3625A>G, p.Ile1209Val (NM_001318731.2); short protein forms I1209V, I1314V, I1330V.
Identifiers: ClinVar variation 2123671 (VCV002123671.4), dbSNP rs2513774415, ClinGen allele CA403971222.

ClinVar aggregate classification (germline): Uncertain significance (1 of 4 stars; one submission).

Conditions:
Hereditary sensory neuropathy-deafness-dementia syndrome. Also called: Hereditary Sensory and Autonomic Neuropathy Type 1E (HSAN1E); HSN IE; Hereditary sensory neuropathy type IE; NEUROPATHY, HEREDITARY SENSORY, WITH HEARING LOSS AND DEMENTIA. Identifiers: Orphanet 456318, MedGen C3279885, MONDO:0013584, OMIM 614116.

Allele frequency attached by ClinVar (database versions not stated): gnomAD exomes below 0.00001.
gnomAD v4.1: 1 of 1,609,464 alleles (0.000062%); highest among the groups gnomAD compares: Non-Finnish European, 0.000085%; no homozygotes.

Submission:

Labcorp Genetics (formerly Invitae), Labcorp
Classification: Uncertain significance for Hereditary sensory neuropathy-deafness-dementia syndrome. Last evaluated: 2022-10-20. Review status: criteria provided, single submitter. Criteria: Invitae Variant Classification Sherloc (09022015). Collection method: clinical testing. Allele origin: germline.
Comment: In summary, the available evidence is currently insufficient to determine the role of this variant in disease. Therefore, it has been classified as a Variant of Uncertain Significance. Advanced modeling of protein sequence and biophysical properties (such as structural, functional, and spatial information, amino acid conservation, physicochemical variation, residue mobility, and thermodynamic stability) performed at Invitae indicates that this missense variant is not expected to disrupt DNMT1 protein function. This variant has not been reported in the literature in individuals affected with DNMT1-related conditions. This variant is not present in population databases (gnomAD no frequency). This sequence change replaces isoleucine, which is neutral and non-polar, with valine, which is neutral and non-polar, at codon 1330 of the DNMT1 protein (p.Ile1330Val).